The following is an entry in ClinVar:

ClinVar aggregate classification (germline): Likely pathogenic. Review status: reviewed by expert panel (3 of 4 stars). 3 submissions from 3 submitters: Likely pathogenic (1). 2 of the submissions do not count toward it. Last evaluated 2022-04-06.

Conditions:
Very long chain acyl-CoA dehydrogenase deficiency (ACADVLD). Also called: Very Long-Chain Acyl-Coenzyme A Dehydrogenase Deficiency; VLCAD Deficiency. Identifiers: Orphanet 26793, MedGen C3887523, MONDO:0008723, OMIM 201475.

Submissions (3):

ClinGen ACADVL Variant Curation Expert Panel, ClinGen
Classification: Likely pathogenic for Very long chain acyl-CoA dehydrogenase deficiency. Last evaluated: 2022-04-06. Review status: reviewed by expert panel. Criteria: clingen acadvl acmg specifications v1. Collection method: curation. Allele origin: germline. Inheritance: Autosomal recessive inheritance.
Comment: The c.128del (p.Gly43Valfs*18) (NM_000018.4) variant in ACADVL is a frameshift variant predicted to cause a premature stop codon in biologically-relevant-exon 2/20 leading to nonsense mediated decay in a gene in which loss-of-function is an established disease mechanism (PVS1; PMIDs: 9973285, 11590124). This variant is absent from gnomAD 2.1.1 (PM2_Supporting). To our knowledge, functional assays have not been reported for this variant. To our knowledge, this variant has not been reported in the literature in any individuals with VLCADD. In summary, this variant has been classified as likely pathogenic for autosomal recessive very long chain acyl-CoA dehydrogenase deficiency based on the ACMG/AMP criteria applied, as specified by the ClinGen ACADVL Curation Expert Panel: PVS1, PM2_Supporting (ACADVL VCEP specifications v2.0; Approved on 11/10/2021).

Baylor Genetics
Classification: Likely pathogenic for Very long chain acyl-CoA dehydrogenase deficiency. Last evaluated: 2024-03-11. Review status: criteria provided, single submitter. Criteria: ACMG Guidelines, 2015. Collection method: clinical testing. Allele origin: unknown. Not counted in ClinVar's aggregate classification.

Labcorp Genetics (formerly Invitae), Labcorp
Classification: Pathogenic for Very long chain acyl-CoA dehydrogenase deficiency. Last evaluated: 2023-09-05. Review status: criteria provided, single submitter. Criteria: Invitae Variant Classification Sherloc (09022015). Collection method: clinical testing. Allele origin: germline. Not counted in ClinVar's aggregate classification.
Comment: This variant has not been reported in the literature in individuals affected with ACADVL-related conditions. This variant is not present in population databases (gnomAD no frequency). This sequence change creates a premature translational stop signal (p.Gly43Valfs*18) in the ACADVL gene. It is expected to result in an absent or disrupted protein product. Loss-of-function variants in ACADVL are known to be pathogenic (PMID: 9973285, 11590124). ClinVar contains an entry for this variant (Variation ID: 857574). For these reasons, this variant has been classified as Pathogenic.

Literature cited by the submitters: PubMed 9973285 (cited by Labcorp Genetics (formerly Invitae), Labcorp); PubMed 11590124 (cited by Labcorp Genetics (formerly Invitae), Labcorp).

NM_000018.4(ACADVL):c.128del (p.Gly43fs)

Genes: ACADVL (acyl-CoA dehydrogenase very long chain; plus strand), LOC130060113 (ATAC-STARR-seq lymphoblastoid silent region 8088; plus strand). Cytogenetic location: 17p13.1.
Variant type: Deletion.
Coding change: c.128del on transcript NM_000018.4 (MANE Select); coding-DNA position 128, one base deleted (G; older notation c.128delG).
Protein change: p.Gly43fs; shifts the reading frame from glycine 43.
Molecular consequence: frameshift variant. On other transcripts: 5 prime UTR variant (1).
Genome position (GRCh38, 1-based): chr17:7,220,187, G deleted; the last of 5 consecutive G bases (chr17:7,220,183-7,220,187); deleting any one gives the same sequence. VCF-style (leftmost placement, unchanged base first): chr17-7220182-CG-C. GRCh37 (hg19) VCF-style: chr17-7123501-CG-C.
Other names: NM_000018.4(ACADVL):c.128del; p.Gly43fs; c.128del, p.Gly43fs (NM_001033859.3); c.197del, p.Gly66fs (NM_001270447.2); c.-101del (NM_001270448.2); short protein forms G43fs, G66fs.
Identifiers: ClinVar variation 857574 (VCV000857574.10), dbSNP rs2071123075, ClinGen allele CA916083526.